The following is an entry in ClinVar:

NM_007118.4(TRIO):c.5766A>C (p.Ala1922=)

Gene: TRIO (trio Rho guanine nucleotide exchange factor; plus strand). Cytogenetic location: 5p15.2.
Variant type: single nucleotide variant.
Coding change: c.5766A>C on transcript NM_007118.4 (MANE Select); coding-DNA position 5766, A replaced by C.
Protein change: p.Ala1922=; no amino-acid change (alanine 1922 retained).
Molecular consequence: synonymous variant. On other transcripts: non-coding transcript variant (1).
Genome position (GRCh38, 1-based): chr5:14,471,320, A>C. VCF-style: chr5-14471320-A-C. GRCh37 (hg19) VCF-style: chr5-14471429-A-C.
Identifiers: ClinVar variation 2655332 (VCV002655332.24), dbSNP rs775092041, ClinGen allele CA443277418.

ClinVar aggregate classification (germline): Likely benign (1 of 4 stars; one submission).

gnomAD v4.1: 1 of 1,613,770 alleles (0.000062%); highest among the groups gnomAD compares: Non-Finnish European, 0.000085%; no homozygotes.

Submission:

CeGaT Center for Human Genetics Tuebingen
Classification: Likely benign. Last evaluated: 2022-03-01. Review status: criteria provided, single submitter. Criteria: CeGaT Center For Human Genetics Tuebingen Variant Classification Criteria Version 2. Collection method: clinical testing. Allele origin: germline. Affected: yes. Observed: 1 variant allele.
Comment: TRIO: BP4, BP7